The following is an entry in ClinVar:

NM_001009944.3(PKD1):c.1574C>G (p.Pro525Arg)

Gene: PKD1 (polycystin 1, transient receptor potential channel interacting; minus strand). Cytogenetic location: 16p13.3.
Variant type: single nucleotide variant.
Coding change: c.1574C>G on transcript NM_001009944.3 (MANE Select); coding-DNA position 1574, C replaced by G.
Protein change: p.Pro525Arg; replaces proline 525 with arginine.
Molecular consequence: missense variant.
Genome position (GRCh38, 1-based): chr16:2,116,865, G>C on the plus strand (C>G on the coding strand, the complement: PKD1 is on the minus strand). VCF-style: chr16-2116865-G-C. GRCh37 (hg19) VCF-style: chr16-2166866-G-C.
Other names: c.1574C>G, p.Pro525Arg (NM_000296.4); short protein forms P525R.
Identifiers: ClinVar variation 3579743 (VCV003579743.2).

ClinVar aggregate classification (germline): Uncertain significance. Review status: criteria provided, multiple submitters, no conflicts (2 of 4 stars). 2 submissions from 2 submitters: Uncertain significance (2). Last evaluated 2025-08-11.

Conditions:
Polycystic kidney disease, adult type (PKD1). Also called: Polycystic Kidney Disease 1, Autosomal Dominant; Polycystic kidney disease 1; Polycystic kidney disease 1, severe; Polycystic Kidney, Autosomal Dominant; POLYCYSTIC KIDNEY DISEASE, ADULT, TYPE I; POLYCYSTIC KIDNEY DISEASE 1 WITH OR WITHOUT POLYCYSTIC LIVER DISEASE. Identifiers: MedGen C3149841, MONDO:0008263, OMIM 173900.

gnomAD v4.1: 11 of 1,530,832 alleles (0.00072%); highest among the groups gnomAD compares: East Asian, 0.0073%; no homozygotes.

Submissions (2):

GeneDx
Classification: Uncertain significance. Last evaluated: 2025-08-11. Review status: criteria provided, single submitter. Criteria: GeneDx Variant Classification Process June 2021. Collection method: clinical testing. Allele origin: germline. Affected: yes.
Comment: In silico analysis suggests that this missense variant does not alter protein structure/function; Has not been previously published as pathogenic or benign to our knowledge

Fulgent Genetics
Classification: Uncertain significance for Polycystic kidney disease, adult type. Last evaluated: 2024-05-10. Review status: criteria provided, single submitter. Criteria: ACMG Guidelines, 2015. Collection method: clinical testing. Allele origin: germline.